The following is an entry in ClinVar:

ClinVar aggregate classification (germline): Benign. Review status: criteria provided, multiple submitters, no conflicts (2 of 4 stars). 4 submissions from 4 submitters: Benign (4). Last evaluated 2026-01-31.

Conditions:
Telangiectasia, hereditary hemorrhagic, type 5 (HHT5). Identifiers: Orphanet 774, MedGen C3809710, MONDO:0014217, OMIM 615506.

Allele frequency attached by ClinVar (database versions not stated): gnomAD 0.00081 and 0.00119; TOPMed 0.00133; ExAC 0.00289; gnomAD exomes 0.00293; 1000 Genomes Project 30x 0.00500; 1000 Genomes Project 0.00579.
gnomAD v4.1: 1,669 of 1,574,624 alleles (0.11%); highest among the groups gnomAD compares: East Asian, 3.6%; 27 homozygotes.

Submissions (4):

Labcorp Genetics (formerly Invitae), Labcorp
Classification: Benign for Telangiectasia, hereditary hemorrhagic, type 5. Last evaluated: 2026-01-31. Review status: criteria provided, single submitter. Criteria: Invitae Variant Classification Sherloc (09022015). Collection method: clinical testing. Allele origin: germline.

Mayo Clinic Laboratories, Mayo Clinic
Classification: Benign. Last evaluated: 2024-12-27. Review status: criteria provided, single submitter. Criteria: ACMG Guidelines, 2015. Collection method: clinical testing. Allele origin: germline. Observed: 1 variant allele.
Comment: BS1, BS2, BP4, BP7

ARUP Laboratories, Molecular Genetics and Genomics, ARUP Laboratories
Classification: Benign for Telangiectasia, hereditary hemorrhagic, type 5. Last evaluated: 2020-02-28. Review status: criteria provided, single submitter. Criteria: ARUP Molecular Germline Variant Investigation Process. Collection method: clinical testing. Allele origin: germline.

GeneDx
Classification: Benign. Last evaluated: 2018-03-08. Review status: criteria provided, single submitter. Criteria: GeneDx Variant Classification (06012015). Collection method: clinical testing. Allele origin: germline. Affected: yes.
Comment: This variant is considered likely benign or benign based on one or more of the following criteria: it is a conservative change, it occurs at a poorly conserved position in the protein, it is predicted to be benign by multiple in silico algorithms, and/or has population frequency not consistent with disease.

NM_016204.4(GDF2):c.346+10C>T

Gene: GDF2 (growth differentiation factor 2; plus strand). Cytogenetic location: 10q11.22.
Variant type: single nucleotide variant.
Coding change: c.346+10C>T on transcript NM_016204.4 (MANE Select); 10 bases into the intron after coding-DNA position 346, C replaced by T.
Molecular consequence: intron variant.
Genome position (GRCh38, 1-based): chr10:47,323,024, C>T. VCF-style: chr10-47323024-C-T. GRCh37 (hg19) VCF-style: chr10-48416338-G-A.
Other names: p.?.
Identifiers: ClinVar variation 515941 (VCV000515941.19), dbSNP rs117345807, ClinGen allele CA5488156.